The following is an entry in ClinVar:

ClinVar aggregate classification (germline): Pathogenic (1 of 4 stars; one submission).

Conditions:
Polycystic kidney disease. Also called: Kidney, Polycystic; Polycystic kidney dysplasia. Identifiers: MedGen C0022680, MeSH D007690, MONDO:0020642, HP:0000113.

Submission:

Clinical Genetics Laboratory, Skane University Hospital Lund
Classification: Pathogenic for Polycystic kidney disease. Last evaluated: 2025-01-14. Review status: criteria provided, single submitter. Criteria: ACMG Guidelines, 2015. Collection method: clinical testing. Allele origin: germline. Affected: yes.
Comment: ACMG criteria used: PVS1, PS4_Moderate (PMID: 36773205, 38527221), PM2

NM_001009944.3(PKD1):c.10729_10732dup (p.Ala3578fs)

Genes: PKD1 (polycystin 1, transient receptor potential channel interacting; minus strand), PKD1-AS1 (PKD1 antisense RNA 1; plus strand). Cytogenetic location: 16p13.3.
Variant type: Microsatellite.
Coding change: c.10729_10732dup on transcript NM_001009944.3 (MANE Select); coding-DNA positions 10729 to 10732, 4 bases duplicated (GGTG; older notation c.10729_10732dupGGTG).
Protein change: p.Ala3578fs; shifts the reading frame from alanine 3578.
Molecular consequence: frameshift variant.
Genome position (GRCh38, 1-based): chr16:2,093,900-2,093,903, CACC duplicated on the plus strand (GGTG on the coding strand, the reverse complement: PKD1 is on the minus strand); duplicating any 4 consecutive bases within chr16:2,093,900-2,093,912 gives the same sequence; the c. name uses the placement nearest the transcript's 3' end. VCF-style (leftmost placement, unchanged base first): chr16-2093899-G-GCACC. GRCh37 (hg19) VCF-style: chr16-2143900-G-GCACC.
Other names: c.10726_10729dup, p.Ala3577fs (NM_000296.4); c.10732_10733insGGTG (NM_001009944.3); short protein forms A3577fs, A3578fs.
Identifiers: ClinVar variation 3772676 (VCV003772676.1).